The following is an entry in ClinVar:

ClinVar aggregate classification (germline): Conflicting classifications of pathogenicity. Review status: criteria provided, conflicting classifications (1 of 4 stars). 6 submissions from 6 submitters: Uncertain significance (5); Likely benign (1). Last evaluated 2025-07-10.

Conditions:
Hereditary cancer-predisposing syndrome. Also called: Hereditary neoplastic syndrome; Neoplastic Syndromes, Hereditary; Tumor predisposition; Hereditary Cancer Syndrome. Identifiers: Orphanet 140162, MedGen C0027672, MeSH D009386, MONDO:0015356.
Hereditary breast ovarian cancer syndrome. Also called: Hereditary breast and ovarian cancer syndrome (HBOC); Breast and ovarian cancer; Hereditary breast and ovarian cancer syndrome; Hereditary breast and ovarian cancer; Hereditary breast and/or ovarian cancer syndrome; BRCA1- and BRCA2-Associated Hereditary Breast and Ovarian Cancer. Identifiers: Orphanet 145, MedGen C0677776, MeSH D061325, MONDO:0003582. Disease mechanism: loss of function.
Breast-ovarian cancer, familial, susceptibility to, 2 (BROVCA2). Also called: BRCA2 Hereditary Breast and Ovarian Cancer. Identifiers: Orphanet 145, MedGen C2675520, MONDO:0012933, OMIM 612555. Disease mechanism: loss of function.

Allele frequency attached by ClinVar (database versions not stated): gnomAD exomes below 0.00001; TOPMed below 0.00001.
gnomAD v4.1: 2 of 1,610,582 alleles (0.00012%); highest among the groups gnomAD compares: Non-Finnish European, 0.00017%; no homozygotes.

Submissions (6):

Labcorp Genetics (formerly Invitae), Labcorp
Classification: Uncertain significance for Hereditary breast ovarian cancer syndrome. Last evaluated: 2025-07-10. Review status: criteria provided, single submitter. Criteria: Invitae Variant Classification Sherloc (09022015). Collection method: clinical testing. Allele origin: germline.
Comment: This sequence change replaces arginine, which is basic and polar, with glycine, which is neutral and non-polar, at codon 1845 of the BRCA2 protein (p.Arg1845Gly). This variant is not present in population databases (gnomAD no frequency). This variant has not been reported in the literature in individuals affected with BRCA2-related conditions. ClinVar contains an entry for this variant (Variation ID: 483120). Invitae Evidence Modeling of protein sequence and biophysical properties (such as structural, functional, and spatial information, amino acid conservation, physicochemical variation, residue mobility, and thermodynamic stability) indicates that this missense variant is not expected to disrupt BRCA2 protein function with a negative predictive value of 95%. In summary, the available evidence is currently insufficient to determine the role of this variant in disease. Therefore, it has been classified as a Variant of Uncertain Significance.

Ambry Genetics
Classification: Uncertain significance for Hereditary cancer-predisposing syndrome. Last evaluated: 2024-12-12. Review status: criteria provided, single submitter. Criteria: Ambry Variant Classification Scheme 2023. Collection method: clinical testing. Allele origin: germline.
Comment: The p.R1845G variant (also known as c.5533A>G), located in coding exon 10 of the BRCA2 gene, results from an A to G substitution at nucleotide position 5533. The arginine at codon 1845 is replaced by glycine, an amino acid with dissimilar properties. This amino acid position is poorly conserved in available vertebrate species. In addition, this alteration is predicted to be tolerated by in silico analysis. Since supporting evidence is limited at this time, the clinical significance of this alteration remains unclear.

All of Us Research Program, National Institutes of Health
Classification: Uncertain significance for Breast-ovarian cancer, familial, susceptibility to, 2. Last evaluated: 2023-11-20. Review status: criteria provided, single submitter. Criteria: ACMG Guidelines, 2015. Collection method: clinical testing. Allele origin: germline. Inheritance: Autosomal dominant inheritance. Observed: 1 variant allele, 1 heterozygote.
Comment: This missense variant replaces arginine with glycine at codon 1845 of the BRCA2 protein. Computational prediction suggests that this variant may not impact protein structure and function (internally defined REVEL score threshold <= 0.5, PMID: 27666373). To our knowledge, functional studies have not been reported for this variant. This variant has not been reported in individuals affected with hereditary cancer in the literature. This variant has not been identified in the general population by the Genome Aggregation Database (gnomAD). The available evidence is insufficient to determine the role of this variant in disease conclusively. Therefore, this variant is classified as a Variant of Uncertain Significance.

This study involves interpretation of variants in research participants for the purpose of population health screening. Participant phenotype was not available at the time of variant classification. Additional details can be found in publication PMID: 35346344, PMCID: PMC8962531

GeneDx
Classification: Uncertain significance. Last evaluated: 2023-11-06. Review status: criteria provided, single submitter. Criteria: GeneDx Variant Classification Process June 2021. Collection method: clinical testing. Allele origin: germline. Affected: yes.
Comment: Not observed at significant frequency in large population cohorts (gnomAD); In silico analysis supports that this missense variant does not alter protein structure/function; Has not been previously published as pathogenic or benign to our knowledge; Also known as 5761A>G; This variant is associated with the following publications: (PMID: 31911673, 29884841, 32377563, 9002670, 22193408)

Quest Diagnostics Nichols Institute San Juan Capistrano
Classification: Uncertain significance. Last evaluated: 2023-05-12. Review status: criteria provided, single submitter. Criteria: Quest Diagnostics criteria. Collection method: clinical testing. Allele origin: unknown.
Comment: The variant has not been reported in individuals with BRCA2-related conditions in the published literature. It also has not been reported in large, multi-ethnic general populations. Analysis of this variant using bioinformatics tools for the prediction of the effect of amino acid changes on protein structure and function yielded predictions that this variant is benign. Based on the available information, we are unable to determine the clinical significance of this variant.

University of Washington Department of Laboratory Medicine, University of Washington
Classification: Likely benign for Hereditary cancer-predisposing syndrome. Last evaluated: 2023-03-23. Review status: criteria provided, single submitter. Criteria: Dines et al. (Genet Med. 2020). Collection method: curation. Allele origin: germline.
Comment: Missense variant in a coldspot region where missense variants are very unlikely to be pathogenic (PMID:31911673).

BRCA2 exon 11 coldspot. Reclassification based on statistical prior probability.

Literature cited by the submitters: PubMed 31911673 (cited by Quest Diagnostics Nichols Institute San Juan Capistrano).

NM_000059.4(BRCA2):c.5533A>G (p.Arg1845Gly)

Gene: BRCA2 (BRCA2 DNA repair associated; plus strand). Cytogenetic location: 13q13.1.
Variant type: single nucleotide variant.
Coding change: c.5533A>G on transcript NM_000059.4 (MANE Select); coding-DNA position 5533, A replaced by G.
Protein change: p.Arg1845Gly; replaces arginine 1845 with glycine.
Molecular consequence: missense variant.
Genome position (GRCh38, 1-based): chr13:32,339,888, A>G. VCF-style: chr13-32339888-A-G. GRCh37 (hg19) VCF-style: chr13-32914025-A-G.
Other names: short protein forms R1845G.
Identifiers: ClinVar variation 483120 (VCV000483120.22), dbSNP rs1294545669, ClinGen allele CA387785921.